The following is an entry in ClinVar:

NM_000038.6(APC):c.5770A>G (p.Lys1924Glu)

Gene: APC (APC regulator of Wnt signaling pathway; plus strand). Cytogenetic location: 5q22.2.
Variant type: single nucleotide variant.
Coding change: c.5770A>G on transcript NM_000038.6 (MANE Select); coding-DNA position 5770, A replaced by G.
Protein change: p.Lys1924Glu; replaces lysine 1924 with glutamic acid.
Molecular consequence: missense variant.
Genome position (GRCh38, 1-based): chr5:112,841,364, A>G. VCF-style: chr5-112841364-A-G. GRCh37 (hg19) VCF-style: chr5-112177061-A-G.
Other names: c.5770A>G, p.Lys1924Glu (NM_001127510.3, NM_001354895.2, NM_001407450.1); c.5716A>G, p.Lys1906Glu (NM_001127511.3); c.5824A>G, p.Lys1942Glu (NM_001354896.2, NM_001407447.1, NM_001407448.1 and 1 more transcripts); c.5800A>G, p.Lys1934Glu (NM_001354897.2); c.5695A>G, p.Lys1899Glu (NM_001354898.2); c.5686A>G, p.Lys1896Glu (NM_001354899.2); c.5647A>G, p.Lys1883Glu (NM_001354900.2); c.5593A>G, p.Lys1865Glu (NM_001354901.2, NM_001407453.1); and 11 more; short protein forms K1795E, K1841E, K1914E, K1917E, K1798E, K1934E, K1942E, K1540E.
Identifiers: ClinVar variation 1976567 (VCV001976567.5), dbSNP rs2149948715, ClinGen allele CA16033956.

ClinVar aggregate classification (germline): Uncertain significance (1 of 4 stars; one submission).

Conditions:
Familial adenomatous polyposis 1 (FAP1). Also called: FAMILIAL ADENOMATOUS POLYPOSIS 1, ATTENUATED; POLYPOSIS, ADENOMATOUS INTESTINAL. Identifiers: MedGen C2713442, MONDO:0021056, OMIM 175100. Disease mechanism: loss of function.

Submission:

Labcorp Genetics (formerly Invitae), Labcorp
Classification: Uncertain significance for Familial adenomatous polyposis 1. Last evaluated: 2023-08-10. Review status: criteria provided, single submitter. Criteria: Invitae Variant Classification Sherloc (09022015). Collection method: clinical testing. Allele origin: germline.
Comment: This sequence change replaces lysine, which is basic and polar, with glutamic acid, which is acidic and polar, at codon 1924 of the APC protein (p.Lys1924Glu). This variant is not present in population databases (gnomAD no frequency). This variant has not been reported in the literature in individuals affected with APC-related conditions. ClinVar contains an entry for this variant (Variation ID: 1976567). Advanced modeling of protein sequence and biophysical properties (such as structural, functional, and spatial information, amino acid conservation, physicochemical variation, residue mobility, and thermodynamic stability) performed at Invitae indicates that this missense variant is not expected to disrupt APC protein function. In summary, the available evidence is currently insufficient to determine the role of this variant in disease. Therefore, it has been classified as a Variant of Uncertain Significance.